The following is an entry in ClinVar:

NM_002206.3(ITGA7):c.2363G>A (p.Ser788Asn)

Genes: ITGA7 (integrin subunit alpha 7; minus strand), LOC126861535 (CDK7 strongly-dependent group 2 enhancer GRCh37_chr12:56087579-56088778; plus strand). Cytogenetic location: 12q13.2.
Variant type: single nucleotide variant.
Coding change: c.2363G>A on transcript NM_002206.3 (MANE Select); coding-DNA position 2363, G replaced by A.
Protein change: p.Ser788Asn; replaces serine 788 with asparagine.
Molecular consequence: missense variant.
Genome position (GRCh38, 1-based): chr12:55,694,325, C>T on the plus strand (G>A on the coding strand, the complement: ITGA7 is on the minus strand). VCF-style: chr12-55694325-C-T. GRCh37 (hg19) VCF-style: chr12-56088109-C-T.
Other names: c.2375G>A, p.Ser792Asn (NM_001144996.2); c.2084G>A, p.Ser695Asn (NM_001144997.2); c.2036G>A, p.Ser679Asn (NM_001367993.1); c.1019G>A, p.Ser340Asn (NM_001367994.1); c.2345G>A, p.Ser782Asn (NM_001374465.1); c.2495G>A, p.Ser832Asn (NM_001410977.1); c.2357G>A, p.Ser786Asn (NM_001414029.1); c.2288G>A, p.Ser763Asn (NM_001414030.1); and 5 more; short protein forms S788N, S679N, S340N, S695N, S792N, S782N, S832N, S675N.
Identifiers: ClinVar variation 639758 (VCV000639758.9), dbSNP rs956532606, ClinGen allele CA385182994.
Genomic context (GRCh38, chr12:55,694,325, plus strand): 5'-GACAGTGGCAGCTCAATGAAGACACGGGCTCGTGCAGAGACTGGATGCAGCTCCTGCTCA[C>T]TGATCCTGGTGAGTGGGCAGGGGCAAGTATGGGCATCAGGCACAGGCACCTCCCAAGGGG-3'
Protein context (NP_002197.2, residues 778-798): LEVELLLATI[Ser788Asn]EQELHPVSAR

ClinVar aggregate classification (germline): Uncertain significance (1 of 4 stars; one submission).

Conditions:
Congenital muscular dystrophy due to integrin alpha-7 deficiency. Also called: Congenital muscular dystrophy with integrin alpha-7 deficiency; Muscular dystrophy, congenital, due to ITGA7 deficiency; MYOPATHY, CONGENITAL, DUE TO INTEGRIN ALPHA-7 DEFICIENCY. Identifiers: Orphanet 34520, MedGen C2750786, MONDO:0013177, OMIM 613204.

Submission:

Labcorp Genetics (formerly Invitae), Labcorp
Classification: Uncertain significance for Congenital muscular dystrophy due to integrin alpha-7 deficiency. Last evaluated: 2018-11-22. Review status: criteria provided, single submitter. Criteria: Invitae Variant Classification Sherloc (09022015). Collection method: clinical testing. Allele origin: germline.
Comment: In summary, the available evidence is currently insufficient to determine the role of this variant in disease. Therefore, it has been classified as a Variant of Uncertain Significance. Algorithms developed to predict the effect of missense changes on protein structure and function are either unavailable or do not agree on the potential impact of this missense change (SIFT: "Deleterious"; PolyPhen-2: "Possibly Damaging"; Align-GVGD: "Class C0"). This variant has not been reported in the literature in individuals with ITGA7-related conditions. This variant is not present in population databases (ExAC no frequency). This sequence change replaces serine with asparagine at codon 788 of the ITGA7 protein (p.Ser788Asn). The serine residue is highly conserved and there is a small physicochemical difference between serine and asparagine.